The following is an entry in ClinVar:

NM_003504.5(CDC45):c.956+3G>A

Gene: CDC45 (cell division cycle 45; plus strand). Cytogenetic location: 22q11.21.
Variant type: single nucleotide variant.
Coding change: c.956+3G>A on transcript NM_003504.5 (MANE Select); 3 bases into the intron after coding-DNA position 956, G replaced by A.
Molecular consequence: intron variant.
Genome position (GRCh38, 1-based): chr22:19,507,520, G>A. VCF-style: chr22-19507520-G-A. GRCh37 (hg19) VCF-style: chr22-19495043-G-A.
Other names: c.920+3G>A (NM_001369291.1); c.1052+3G>A (NM_001178010.2); c.818+3G>A (NM_001178011.2).
Identifiers: ClinVar variation 1350790 (VCV001350790.6), dbSNP rs1374738496, ClinGen allele CA751456066.

ClinVar aggregate classification (germline): Uncertain significance (1 of 4 stars; one submission).

Allele frequency attached by ClinVar (database versions not stated): gnomAD exomes below 0.00001; gnomAD 0.00001; TOPMed 0.00003.
gnomAD v4.1: 3 of 1,613,928 alleles (0.00019%); highest among the groups gnomAD compares: African/African-American, 0.0027%; no homozygotes.

Submission:

Labcorp Genetics (formerly Invitae), Labcorp
Classification: Uncertain significance. Last evaluated: 2022-02-03. Review status: criteria provided, single submitter. Criteria: Invitae Variant Classification Sherloc (09022015). Collection method: clinical testing. Allele origin: germline.
Comment: This variant has not been reported in the literature in individuals affected with CDC45-related conditions. In summary, the available evidence is currently insufficient to determine the role of this variant in disease. Therefore, it has been classified as a Variant of Uncertain Significance. Variants that disrupt the consensus splice site are a relatively common cause of aberrant splicing (PMID: 17576681, 9536098). Algorithms developed to predict the effect of sequence changes on RNA splicing suggest that this variant is not likely to affect RNA splicing. This variant is not present in population databases (gnomAD no frequency). This sequence change falls in intron 12 of the CDC45 gene. It does not directly change the encoded amino acid sequence of the CDC45 protein. It affects a nucleotide within the consensus splice site.

Literature cited by the submitters: PubMed 17576681; PubMed 9536098.